The following is an entry in ClinVar:

ClinVar aggregate classification (germline): Pathogenic/Likely pathogenic. Review status: criteria provided, multiple submitters, no conflicts (2 of 4 stars). 3 submissions from 3 submitters: Pathogenic (1); Likely pathogenic (2). Last evaluated 2024-05-23.

Conditions:
KBG syndrome (KBGS). Also called: ANKRD11-Related KBG Syndrome. Identifiers: Orphanet 2332, MedGen C0220687, MONDO:0007846, OMIM 148050.
ANKRD11-related disorder. Also called: ANKRD11-related condition.

Submissions (3):

Blueprint Genetics
Classification: Likely pathogenic for ANKRD11-related disorders. Last evaluated: 2024-05-23. Review status: criteria provided, single submitter. Criteria: ACMG Guidelines, 2015. Collection method: clinical testing. Allele origin: germline. Affected: yes. Observed: 1 variant allele.

Institute of Human Genetics Munich, TUM University Hospital
Classification: Pathogenic for KBG syndrome. Last evaluated: 2024-03-26. Review status: criteria provided, single submitter. Criteria: Classification criteria August 2017. Collection method: clinical testing. Allele origin: de novo. Inheritance: Autosomal dominant inheritance. Affected: yes. Observed: 1 variant allele.

Centre of Medical Genetics, University Hospital Muenster
Classification: Likely pathogenic. Last evaluated: 2022-09-15. Review status: criteria provided, single submitter. Criteria: ACMG Guidelines, 2015. Collection method: clinical testing. Allele origin: unknown. Affected: yes. Observed: 1 variant allele, 1 heterozygote.
Comment: ACMG categories: PVS1,PM2

NM_013275.6(ANKRD11):c.5469dup (p.Pro1824fs)

Gene: ANKRD11 (ankyrin repeat domain 11; minus strand). Cytogenetic location: 16q24.3.
Variant type: Duplication.
Coding change: c.5469dup on transcript NM_013275.6 (MANE Select); coding-DNA position 5469, one base duplicated (T; older notation c.5469dupT).
Protein change: p.Pro1824fs; shifts the reading frame from proline 1824.
Molecular consequence: frameshift variant.
Genome position (GRCh38, 1-based): chr16:89,281,073, A duplicated on the plus strand (T on the coding strand, the reverse complement: ANKRD11 is on the minus strand). VCF-style (leftmost placement, unchanged base first): chr16-89281072-G-GA. GRCh37 (hg19) VCF-style: chr16-89347480-G-GA.
Other names: c.5469dup, p.Pro1824fs (NM_001256182.2, NM_001256183.2); short protein forms P1824fs.
Identifiers: ClinVar variation 2430305 (VCV002430305.8), dbSNP rs2544227857, ClinGen allele CA2580092489.